The following is an entry in ClinVar:

NM_198880.3(QRICH1):c.863C>G (p.Thr288Arg)

Gene: QRICH1 (glutamine rich 1; minus strand). Cytogenetic location: 3p21.31.
Variant type: single nucleotide variant.
Coding change: c.863C>G on transcript NM_198880.3 (MANE Select); coding-DNA position 863, C replaced by G.
Protein change: p.Thr288Arg; replaces threonine 288 with arginine.
Molecular consequence: missense variant.
Genome position (GRCh38, 1-based): chr3:49,057,337, G>C on the plus strand (C>G on the coding strand, the complement: QRICH1 is on the minus strand). VCF-style: chr3-49057337-G-C. GRCh37 (hg19) VCF-style: chr3-49094770-G-C.
Other names: c.863C>G, p.Thr288Arg (NM_001320580.2, NM_001320581.2, NM_001320582.2 and 4 more transcripts); short protein forms T288R.
Identifiers: ClinVar variation 3428868 (VCV003428868.1).

ClinVar aggregate classification (germline): Uncertain significance (1 of 4 stars; one submission).

Conditions:
Inborn genetic diseases. Identifiers: MedGen C0950123, MeSH D030342.

gnomAD v4.1: 1 of 1,614,216 alleles (0.000062%); highest among the groups gnomAD compares: Non-Finnish European, 0.000085%; no homozygotes.

Submission:

Ambry Genetics
Classification: Uncertain significance for Inborn genetic diseases. Last evaluated: 2024-06-27. Review status: criteria provided, single submitter. Criteria: Ambry Variant Classification Scheme 2023. Collection method: clinical testing. Allele origin: germline.
Comment: The c.863C>G (p.T288R) alteration is located in exon 4 (coding exon 2) of the QRICH1 gene. This alteration results from a C to G substitution at nucleotide position 863, causing the threonine (T) at amino acid position 288 to be replaced by an arginine (R). This variant was not reported in population-based cohorts in the Genome Aggregation Database (gnomAD). This amino acid position is highly conserved in available vertebrate species. This alteration is predicted to be deleterious by in silico analysis. Based on insufficient or conflicting evidence, the clinical significance of this alteration remains unclear.